The following is an entry in ClinVar:

ClinVar aggregate classification (germline): Uncertain significance (1 of 4 stars; one submission).

Allele frequency attached by ClinVar (database versions not stated): gnomAD exomes 0.00001; TOPMed below 0.00001; gnomAD 0.00001; ExAC 0.00002.
gnomAD v4.1: 10 of 1,613,266 alleles (0.00062%); highest among the groups gnomAD compares: South Asian, 0.0088%; no homozygotes.

Submission:

Labcorp Genetics (formerly Invitae), Labcorp
Classification: Uncertain significance. Last evaluated: 2026-01-05. Review status: criteria provided, single submitter. Criteria: Invitae Variant Classification Sherloc (09022015). Collection method: clinical testing. Allele origin: germline.
Comment: This sequence change replaces aspartic acid, which is acidic and polar, with valine, which is neutral and non-polar, at codon 332 of the EYS protein (p.Asp332Val). This variant is present in population databases (rs764463255, gnomAD 0.006%). This variant has not been reported in the literature in individuals affected with EYS-related conditions. ClinVar contains an entry for this variant (Variation ID: 2913195). Invitae Evidence Modeling of protein sequence and biophysical properties (such as structural, functional, and spatial information, amino acid conservation, physicochemical variation, residue mobility, and thermodynamic stability) indicates that this missense variant is not expected to disrupt EYS protein function with a negative predictive value of 80%. In summary, the available evidence is currently insufficient to determine the role of this variant in disease. Therefore, it has been classified as a Variant of Uncertain Significance.

NM_001142800.2(EYS):c.995A>T (p.Asp332Val)

Gene: EYS (EGF-like photoreceptor maintenance factor; minus strand). Cytogenetic location: 6q12.
Variant type: single nucleotide variant.
Coding change: c.995A>T on transcript NM_001142800.2 (MANE Select); coding-DNA position 995, A replaced by T.
Protein change: p.Asp332Val; replaces aspartic acid 332 with valine.
Molecular consequence: missense variant.
Genome position (GRCh38, 1-based): chr6:65,405,235, T>A on the plus strand (A>T on the coding strand, the complement: EYS is on the minus strand). VCF-style: chr6-65405235-T-A. GRCh37 (hg19) VCF-style: chr6-66115128-T-A.
Other names: c.995A>T, p.Asp332Val (NM_001142801.2, NM_001292009.2, NM_198283.2); short protein forms D332V.
Identifiers: ClinVar variation 2913195 (VCV002913195.2), dbSNP rs764463255, ClinGen allele CA3877906.